The following is an entry in ClinVar:

NM_020461.4(TUBGCP6):c.1262C>T (p.Ser421Phe)

Gene: TUBGCP6 (tubulin gamma complex component 6; minus strand). Cytogenetic location: 22q13.33.
Variant type: single nucleotide variant.
Coding change: c.1262C>T on transcript NM_020461.4 (MANE Select); coding-DNA position 1262, C replaced by T.
Protein change: p.Ser421Phe; replaces serine 421 with phenylalanine.
Molecular consequence: missense variant.
Genome position (GRCh38, 1-based): chr22:50,229,432, G>A on the plus strand (C>T on the coding strand, the complement: TUBGCP6 is on the minus strand). VCF-style: chr22-50229432-G-A. GRCh37 (hg19) VCF-style: chr22-50667861-G-A.
Other names: short protein forms S421F.
Identifiers: ClinVar variation 852916 (VCV000852916.8), dbSNP rs150294995, ClinGen allele CA10308770.

ClinVar aggregate classification (germline): Conflicting classifications of pathogenicity. Review status: criteria provided, conflicting classifications (1 of 4 stars). 3 submissions from 3 submitters: Uncertain significance (1); Likely benign (2). Last evaluated 2026-01-06.

Conditions:
TUBGCP6-related disorder. Also called: TUBGCP6-related condition.

Allele frequency attached by ClinVar (database versions not stated): gnomAD exomes 0.00014; ExAC 0.00019; gnomAD 0.00049 and 0.00053; TOPMed 0.00056; 1000 Genomes Project 0.00080; 1000 Genomes Project 30x 0.00109.
gnomAD v4.1: 149 of 1,613,662 alleles (0.0092%); highest among the groups gnomAD compares: African/African-American, 0.17%; 1 homozygote.

Submissions (3):

PreventionGenetics, part of Exact Sciences
Classification: Likely benign for TUBGCP6-related condition. Last evaluated: 2026-01-06. Review status: criteria provided, single submitter. Criteria: ACMG Guidelines, 2015. Collection method: clinical testing. Allele origin: germline.
Comment: This variant is classified as likely benign based on ACMG/AMP sequence variant interpretation guidelines (Richards et al. 2015 PMID: 25741868, with internal and published modifications).

Labcorp Genetics (formerly Invitae), Labcorp
Classification: Uncertain significance. Last evaluated: 2024-12-16. Review status: criteria provided, single submitter. Criteria: Invitae Variant Classification Sherloc (09022015). Collection method: clinical testing. Allele origin: germline.
Comment: This sequence change replaces serine, which is neutral and polar, with phenylalanine, which is neutral and non-polar, at codon 421 of the TUBGCP6 protein (p.Ser421Phe). This variant is present in population databases (rs150294995, gnomAD 0.2%). This variant has not been reported in the literature in individuals affected with TUBGCP6-related conditions. ClinVar contains an entry for this variant (Variation ID: 852916). An algorithm developed to predict the effect of missense changes on protein structure and function (PolyPhen-2) suggests that this variant is likely to be disruptive. In summary, the available evidence is currently insufficient to determine the role of this variant in disease. Therefore, it has been classified as a Variant of Uncertain Significance.

Blueprint Genetics
Classification: Likely benign. Last evaluated: 2024-10-16. Review status: criteria provided, single submitter. Criteria: ACMG Guidelines, 2015. Collection method: clinical testing. Allele origin: germline.